The following is an entry in ClinVar:

NM_001105206.3(LAMA4):c.134A>G (p.Gln45Arg)

Genes: LAMA4 (laminin subunit alpha 4; minus strand), LAMA4-AS1 (LAMA4 antisense RNA 1; plus strand). Cytogenetic location: 6q21.
Variant type: single nucleotide variant.
Coding change: c.134A>G on transcript NM_001105206.3 (MANE Select); coding-DNA position 134, A replaced by G.
Protein change: p.Gln45Arg; replaces glutamine 45 with arginine.
Molecular consequence: missense variant.
Genome position (GRCh38, 1-based): chr6:112,254,017, T>C on the plus strand (A>G on the coding strand, the complement: LAMA4 is on the minus strand). VCF-style: chr6-112254017-T-C. GRCh37 (hg19) VCF-style: chr6-112575219-T-C.
Other names: c.134A>G, p.Gln45Arg (NM_001105207.3, NM_001105208.3, NM_001105209.3 and 1 more transcripts); short protein forms Q45R.
Identifiers: ClinVar variation 3222019 (VCV003222019.1), dbSNP rs1787669528, ClinGen allele CA365518771.

ClinVar aggregate classification (germline): Uncertain significance (1 of 4 stars; one submission).

Conditions:
Cardiovascular phenotype. Identifiers: MedGen CN230736.

Submission:

Ambry Genetics
Classification: Uncertain significance for Cardiovascular phenotype. Last evaluated: 2023-09-18. Review status: criteria provided, single submitter. Criteria: Ambry Variant Classification Scheme 2023. Collection method: clinical testing. Allele origin: germline.
Comment: The p.Q45R variant (also known as c.134A>G), located in coding exon 1 of the LAMA4 gene, results from an A to G substitution at nucleotide position 134. The glutamine at codon 45 is replaced by arginine, an amino acid with highly similar properties. This amino acid position is not well conserved in available vertebrate species. In addition, this alteration is predicted to be tolerated by in silico analysis. The evidence for this gene-disease relationship is limited; therefore, the clinical significance of this alteration is unclear.